The following is an entry in ClinVar:

NM_001164508.2(NEB):c.23451+1G>C

Genes: NEB (nebulin; minus strand), RIF1 (replication timing regulatory factor 1; plus strand). Cytogenetic location: 2q23.3.
Variant type: single nucleotide variant.
Coding change: c.23451+1G>C on transcript NM_001164508.2 (MANE Select); the canonical splice donor site of the intron after coding-DNA position 23451, G replaced by C.
Molecular consequence: splice donor variant.
Genome position (GRCh38, 1-based): chr2:151,508,004, C>G on the plus strand (G>C on the coding strand, the complement: NEB is on the minus strand). VCF-style: chr2-151508004-C-G. GRCh37 (hg19) VCF-style: chr2-152364518-C-G.
Other names: c.18348+1G>C (NM_004543.5); c.23451+1G>C (NM_001164507.2); c.23556+1G>C (NM_001271208.2).
Identifiers: ClinVar variation 557373 (VCV000557373.13), dbSNP rs1011425121, ClinGen allele CA348784998.

ClinVar aggregate classification (germline): Likely pathogenic. Review status: criteria provided, multiple submitters, no conflicts (2 of 4 stars). 4 submissions from 4 submitters: Likely pathogenic (3). 1 of the submissions does not count toward it. Last evaluated 2026-06-26.

Conditions:
Nemaline myopathy 2 (NEM2). Also called: Nemaline myopathy 2, autosomal recessive. Identifiers: MedGen C1850569, MONDO:0009725, OMIM 256030.
Nemaline myopathy. Also called: Myopathies, Nemaline. Identifiers: Orphanet 607, MedGen C0206157, MONDO:0018958.
Arthrogryposis multiplex congenita 6. Identifiers: MedGen C5543431, MONDO:0030281, OMIM 619334.

gnomAD v4.1: 5 of 1,600,420 alleles (0.00031%); highest among the groups gnomAD compares: South Asian, 0.0011%; no homozygotes.

Submissions (4):

Women's Health and Genetics/Laboratory Corporation of America, LabCorp
Classification: Likely pathogenic for Nemaline myopathy. Last evaluated: 2026-06-26. Review status: criteria provided, single submitter. Criteria: LabCorp Variant Classification Summary - May 2015. Collection method: clinical testing. Allele origin: germline.
Comment: Variant summary: NEB c.23556+1G>C is located in a canonical splice-site and is predicted to affect mRNA splicing resulting in a significantly altered protein due to either exon skipping, shortening, or inclusion of intronic material. Variants that disrupt the consensus splice site are a relatively common cause of aberrant splicing and loss of NEB function. Several computational tools predict a significant impact on normal splicing: Four predict that the variant abolishes a 5' splicing donor site. One predicts the variant strengthens a cryptic 5' donor site. However, these predictions have yet to be confirmed by functional studies. The frequency data for this variant in gnomAD is considered unreliable, as metrics indicate poor data quality at this position. This report does not provide unequivocal conclusions regarding the association between the variant and disease. To our knowledge, no experimental evidence demonstrating an impact on protein function has been reported. The following publication has been ascertained in the context of this evaluation (PMID: 39033325). ClinVar contains an entry for this variant (Variation ID: 557373). Based on the evidence outlined above, the variant was classified as likely pathogenic.

Baylor Genetics
Classification: Likely pathogenic for Arthrogryposis multiplex congenita 6. Last evaluated: 2024-02-26. Review status: criteria provided, single submitter. Criteria: ACMG Guidelines, 2015. Collection method: clinical testing. Allele origin: unknown.

Labcorp Genetics (formerly Invitae), Labcorp
Classification: Likely pathogenic for Nemaline myopathy 2. Last evaluated: 2023-11-06. Review status: criteria provided, single submitter. Criteria: Invitae Variant Classification Sherloc (09022015). Collection method: clinical testing. Allele origin: germline.
Comment: This sequence change affects a donor splice site in intron 163 of the NEB gene. It is expected to disrupt RNA splicing. Variants that disrupt the donor or acceptor splice site typically lead to a loss of protein function (PMID: 16199547), and loss-of-function variants in NEB are known to be pathogenic (PMID: 25205138). This variant is not present in population databases (gnomAD no frequency). This variant has not been reported in the literature in individuals affected with NEB-related conditions. ClinVar contains an entry for this variant (Variation ID: 557373). Algorithms developed to predict the effect of sequence changes on RNA splicing suggest that this variant may disrupt the consensus splice site. In summary, the currently available evidence indicates that the variant is pathogenic, but additional data are needed to prove that conclusively. Therefore, this variant has been classified as Likely Pathogenic.

Counsyl
Classification: Likely pathogenic for Nemaline myopathy 2. Last evaluated: 2018-03-20. Review status: no assertion criteria provided. Collection method: clinical testing. Allele origin: unknown. Not counted in ClinVar's aggregate classification.

Literature cited by the submitters: PubMed 39033325 (cited by Women's Health and Genetics/Laboratory Corporation of America, LabCorp); PubMed 16199547 (cited by Labcorp Genetics (formerly Invitae), Labcorp); PubMed 25205138 (cited by Labcorp Genetics (formerly Invitae), Labcorp).